The following is an entry in ClinVar:

NM_006231.4(POLE):c.2813T>C (p.Leu938Pro)

Gene: POLE (DNA polymerase epsilon, catalytic subunit; minus strand). Cytogenetic location: 12q24.33.
Variant type: single nucleotide variant.
Coding change: c.2813T>C on transcript NM_006231.4 (MANE Select); coding-DNA position 2813, T replaced by C.
Protein change: p.Leu938Pro; replaces leucine 938 with proline.
Molecular consequence: missense variant.
Genome position (GRCh38, 1-based): chr12:132,661,578, A>G on the plus strand (T>C on the coding strand, the complement: POLE is on the minus strand). VCF-style: chr12-132661578-A-G. GRCh37 (hg19) VCF-style: chr12-133238164-A-G.
Other names: short protein forms L938P.
Identifiers: ClinVar variation 1796354 (VCV001796354.2), dbSNP rs2135948427, ClinGen allele CA387393704.

ClinVar aggregate classification (germline): Uncertain significance (1 of 4 stars; one submission).

Conditions:
Hereditary cancer-predisposing syndrome. Also called: Tumor predisposition; Hereditary Cancer Syndrome; Neoplastic Syndromes, Hereditary; Hereditary neoplastic syndrome. Identifiers: Orphanet 140162, MedGen C0027672, MeSH D009386, MONDO:0015356.

Submission:

Ambry Genetics
Classification: Uncertain significance for Hereditary cancer-predisposing syndrome. Last evaluated: 2021-12-21. Review status: criteria provided, single submitter. Criteria: Ambry Variant Classification Scheme 2023. Collection method: clinical testing. Allele origin: germline.
Comment: The p.L938P variant (also known as c.2813T>C), located in coding exon 24 of the POLE gene, results from a T to C substitution at nucleotide position 2813. The leucine at codon 938 is replaced by proline, an amino acid with similar properties. This amino acid position is conserved. In addition, the in silico prediction for this alteration is inconclusive. Since supporting evidence is limited at this time, the clinical significance of this alteration remains unclear.